The following is an entry in ClinVar:

ClinVar aggregate classification (germline): Uncertain significance (1 of 4 stars; one submission).

Conditions:
Hereditary cancer-predisposing syndrome. Also called: Tumor predisposition; Hereditary Cancer Syndrome; Hereditary neoplastic syndrome; Neoplastic Syndromes, Hereditary. Identifiers: Orphanet 140162, MedGen C0027672, MeSH D009386, MONDO:0015356.

Submission:

Ambry Genetics
Classification: Uncertain significance for Hereditary cancer-predisposing syndrome. Last evaluated: 2024-04-29. Review status: criteria provided, single submitter. Criteria: Ambry Variant Classification Scheme 2023. Collection method: clinical testing. Allele origin: germline.
Comment: The p.R80G variant (also known as c.238A>G), located in coding exon 3 of the EPCAM gene, results from an A to G substitution at nucleotide position 238. The arginine at codon 80 is replaced by glycine, an amino acid with dissimilar properties. This amino acid position is conserved. In addition, this alteration is predicted to be tolerated by in silico analysis. Based on the available evidence, the clinical significance of this variant remains unclear.

NM_002354.3(EPCAM):c.238A>G (p.Arg80Gly)

Gene: EPCAM (epithelial cell adhesion molecule; plus strand). Cytogenetic location: 2p21.
Variant type: single nucleotide variant.
Coding change: c.238A>G on transcript NM_002354.3 (MANE Select); coding-DNA position 238, A replaced by G.
Protein change: p.Arg80Gly; replaces arginine 80 with glycine.
Molecular consequence: missense variant.
Genome position (GRCh38, 1-based): chr2:47,373,861, A>G. VCF-style: chr2-47373861-A-G. GRCh37 (hg19) VCF-style: chr2-47601000-A-G.
Other names: short protein forms R80G.
Identifiers: ClinVar variation 3275824 (VCV003275824.1).